The following is an entry in ClinVar:

ClinVar aggregate classification (germline): Uncertain significance. Review status: criteria provided, multiple submitters, no conflicts (2 of 4 stars). 3 submissions from 3 submitters: Uncertain significance (3). Last evaluated 2025-02-12.

Conditions:
Hereditary cancer-predisposing syndrome. Also called: Hereditary neoplastic syndrome; Neoplastic Syndromes, Hereditary; Tumor predisposition; Hereditary Cancer Syndrome. Identifiers: Orphanet 140162, MedGen C0027672, MeSH D009386, MONDO:0015356.

Allele frequency attached by ClinVar (database versions not stated): gnomAD exomes below 0.00001.
gnomAD v4.1: 1 of 1,613,184 alleles (0.000062%); highest among the groups gnomAD compares: Middle Eastern, 0.017%; no homozygotes.

Submissions (3):

GeneDx
Classification: Uncertain significance. Last evaluated: 2025-02-12. Review status: criteria provided, single submitter. Criteria: GeneDx Variant Classification Process June 2021. Collection method: clinical testing. Allele origin: germline. Affected: yes.
Comment: Not observed at significant frequency in large population cohorts (gnomAD); In silico analysis supports that this missense variant has a deleterious effect on protein structure/function; Has not been previously published as pathogenic or benign to our knowledge

Ambry Genetics
Classification: Uncertain significance for Hereditary cancer-predisposing syndrome. Last evaluated: 2023-06-01. Review status: criteria provided, single submitter. Criteria: Ambry Variant Classification Scheme 2023. Collection method: clinical testing. Allele origin: germline.
Comment: The p.P865A variant (also known as c.2593C>G), located in coding exon 19 of the MSH3 gene, results from a C to G substitution at nucleotide position 2593. The proline at codon 865 is replaced by alanine, an amino acid with highly similar properties. This amino acid position is conserved. In addition, this alteration is predicted to be deleterious by in silico analysis. Since supporting evidence is limited at this time, the clinical significance of this alteration remains unclear.

Labcorp Genetics (formerly Invitae), Labcorp
Classification: Uncertain significance. Last evaluated: 2022-07-15. Review status: criteria provided, single submitter. Criteria: Invitae Variant Classification Sherloc (09022015). Collection method: clinical testing. Allele origin: germline.
Comment: In summary, the available evidence is currently insufficient to determine the role of this variant in disease. Therefore, it has been classified as a Variant of Uncertain Significance. Algorithms developed to predict the effect of missense changes on protein structure and function are either unavailable or do not agree on the potential impact of this missense change (SIFT: "Deleterious"; PolyPhen-2: "Probably Damaging"; Align-GVGD: "Class C0"). ClinVar contains an entry for this variant (Variation ID: 1004522). This variant has not been reported in the literature in individuals affected with MSH3-related conditions. This variant is not present in population databases (gnomAD no frequency). This sequence change replaces proline, which is neutral and non-polar, with alanine, which is neutral and non-polar, at codon 865 of the MSH3 protein (p.Pro865Ala).

NM_002439.5(MSH3):c.2593C>G (p.Pro865Ala)

Gene: MSH3 (mutS homolog 3; plus strand). Cytogenetic location: 5q14.1.
Variant type: single nucleotide variant.
Coding change: c.2593C>G on transcript NM_002439.5 (MANE Select); coding-DNA position 2593, C replaced by G.
Protein change: p.Pro865Ala; replaces proline 865 with alanine.
Molecular consequence: missense variant.
Genome position (GRCh38, 1-based): chr5:80,792,782, C>G. VCF-style: chr5-80792782-C-G. GRCh37 (hg19) VCF-style: chr5-80088601-C-G.
Other names: c.2593C>G (NM_002439.4, NM_002439.3); short protein forms P865A.
Identifiers: ClinVar variation 1004522 (VCV001004522.11), dbSNP rs1744630680, ClinGen allele CA360272934.
Genomic context (GRCh38, chr5:80,792,782, plus strand): 5'-CTTTTTTGCAGACCAACTGTACAAGAAGAAAGAAAAATTGTAATAAAAAATGGAAGGCAC[C>G]CTGTGATTGATGTGTTGCTGGGAGAACAGGATCAATATGTCCCAAATAATACAGATTTAT-3'
Protein context (NP_002430.3, residues 855-875): RKIVIKNGRH[Pro865Ala]VIDVLLGEQD